The following is an entry in ClinVar:

ClinVar aggregate classification (germline): Uncertain significance. Review status: criteria provided, multiple submitters, no conflicts (2 of 4 stars). 2 submissions from 2 submitters: Uncertain significance (2). Last evaluated 2026-05-18.

Conditions:
Hereditary cancer-predisposing syndrome. Also called: Hereditary neoplastic syndrome; Tumor predisposition; Hereditary Cancer Syndrome; Neoplastic Syndromes, Hereditary. Identifiers: Orphanet 140162, MedGen C0027672, MeSH D009386, MONDO:0015356.

Submissions (2):

Ambry Genetics
Classification: Uncertain significance for Hereditary cancer-predisposing syndrome. Last evaluated: 2026-05-18. Review status: criteria provided, single submitter. Criteria: Ambry Variant Classification Scheme 2023. Collection method: clinical testing. Allele origin: germline.
Comment: The p.K181E variant (also known as c.541A>G), located in coding exon 4 of the CTNNA1 gene, results from an A to G substitution at nucleotide position 541. The lysine at codon 181 is replaced by glutamic acid, an amino acid with similar properties. This amino acid position is conserved. In addition, this alteration is predicted to be tolerated by in silico analysis. Based on the available evidence, the clinical significance of this variant remains unclear.

Labcorp Genetics (formerly Invitae), Labcorp
Classification: Uncertain significance. Last evaluated: 2024-03-14. Review status: criteria provided, single submitter. Criteria: Invitae Variant Classification Sherloc (09022015). Collection method: clinical testing. Allele origin: germline.
Comment: This sequence change replaces lysine, which is basic and polar, with glutamic acid, which is acidic and polar, at codon 181 of the CTNNA1 protein (p.Lys181Glu). This variant is not present in population databases (gnomAD no frequency). This variant has not been reported in the literature in individuals affected with CTNNA1-related conditions. Advanced modeling of protein sequence and biophysical properties (such as structural, functional, and spatial information, amino acid conservation, physicochemical variation, residue mobility, and thermodynamic stability) performed at Invitae indicates that this missense variant is not expected to disrupt CTNNA1 protein function with a negative predictive value of 80%. In summary, the available evidence is currently insufficient to determine the role of this variant in disease. Therefore, it has been classified as a Variant of Uncertain Significance.

NM_001903.5(CTNNA1):c.541A>G (p.Lys181Glu)

Gene: CTNNA1 (catenin alpha 1; plus strand). Cytogenetic location: 5q31.2.
Variant type: single nucleotide variant.
Coding change: c.541A>G on transcript NM_001903.5 (MANE Select); coding-DNA position 541, A replaced by G.
Protein change: p.Lys181Glu; replaces lysine 181 with glutamic acid.
Molecular consequence: missense variant.
Genome position (GRCh38, 1-based): chr5:138,812,255, A>G. VCF-style: chr5-138812255-A-G. GRCh37 (hg19) VCF-style: chr5-138147944-A-G.
Other names: c.541A>G (NM_001903.2); c.541A>G, p.Lys181Glu (NM_001290307.3, NM_001323982.2, NM_001323983.1 and 3 more transcripts); c.232A>G, p.Lys78Glu (NM_001290309.3); c.172A>G, p.Lys58Glu (NM_001290310.3); short protein forms K181E, K58E, K78E.
Identifiers: ClinVar variation 3645936 (VCV003645936.3).